The following is an entry in ClinVar:

NM_001378454.1(ALMS1):c.3980C>T (p.Pro1327Leu)

Gene: ALMS1 (ALMS1 centrosome and basal body associated protein; plus strand). Cytogenetic location: 2p13.1.
Variant type: single nucleotide variant.
Coding change: c.3980C>T on transcript NM_001378454.1 (MANE Select); coding-DNA position 3980, C replaced by T.
Protein change: p.Pro1327Leu; replaces proline 1327 with leucine.
Molecular consequence: missense variant.
Genome position (GRCh38, 1-based): chr2:73,450,507, C>T. VCF-style: chr2-73450507-C-T. GRCh37 (hg19) VCF-style: chr2-73677634-C-T.
Other names: c.3983C>T, p.Pro1328Leu (NM_015120.4); short protein forms P1328L, P1327L.
Identifiers: ClinVar variation 570871 (VCV000570871.11), dbSNP rs764135588, ClinGen allele CA1713623.
Genomic context (GRCh38, chr2:73,450,507, plus strand): 5'-CTGAAGAGGCTAAGAATGTTTCAGCGGTTCCTGGACCAGCTGACCAGAAGACTGTGATAC[C>T]AATTTTACCCTCTACTTTCTACTCACACACAGAGAAGCCTGGTGTTTTCTACCAACAGGT-3'
Protein context (NP_001365383.1, residues 1317-1337): PGPADQKTVI[Pro1327Leu]ILPSTFYSHT

ClinVar aggregate classification (germline): Uncertain significance. Review status: criteria provided, multiple submitters, no conflicts (2 of 4 stars). 6 submissions from 6 submitters: Uncertain significance (5). 1 of the submissions does not count toward it. Last evaluated 2024-11-14.

Conditions:
Alstrom syndrome (ALMS). Identifiers: Orphanet 64, MedGen C0268425, MONDO:0008763, OMIM 203800.

Allele frequency attached by ClinVar (database versions not stated): TOPMed below 0.00001; ExAC 0.00001; gnomAD exomes 0.00001 and below 0.00001.

Submissions (6):

Blueprint Genetics
Classification: Uncertain significance. Last evaluated: 2024-11-14. Review status: criteria provided, single submitter. Criteria: ACMG Guidelines, 2015. Collection method: clinical testing. Allele origin: germline.

GeneDx
Classification: Uncertain significance. Last evaluated: 2023-02-03. Review status: criteria provided, single submitter. Criteria: GeneDx Variant Classification Process June 2021. Collection method: clinical testing. Allele origin: germline. Affected: yes.
Comment: Not observed at significant frequency in large population cohorts (gnomAD); In silico analysis supports that this missense variant does not alter protein structure/function; Has not been previously published as pathogenic or benign to our knowledge

New York Genome Center
Classification: Uncertain significance for Alstrom syndrome. Last evaluated: 2022-06-17. Review status: criteria provided, single submitter. Criteria: NYGC Assertion Criteria 2020. Collection method: clinical testing. Allele origin: germline. Observed: 1 heterozygote.

Labcorp Genetics (formerly Invitae), Labcorp
Classification: Uncertain significance for Alstrom syndrome. Last evaluated: 2022-04-18. Review status: criteria provided, single submitter. Criteria: Invitae Variant Classification Sherloc (09022015). Collection method: clinical testing. Allele origin: germline.
Comment: This sequence change replaces proline, which is neutral and non-polar, with leucine, which is neutral and non-polar, at codon 1328 of the ALMS1 protein (p.Pro1328Leu). This variant is present in population databases (rs764135588, gnomAD 0.0009%). This variant has not been reported in the literature in individuals affected with ALMS1-related conditions. ClinVar contains an entry for this variant (Variation ID: 570871). In summary, the available evidence is currently insufficient to determine the role of this variant in disease. Therefore, it has been classified as a Variant of Uncertain Significance.

Fulgent Genetics
Classification: Uncertain significance for Alstrom syndrome. Last evaluated: 2022-04-14. Review status: criteria provided, single submitter. Criteria: ACMG Guidelines, 2015. Collection method: clinical testing. Allele origin: unknown.

Natera, Inc.
Classification: Uncertain significance for Alstrom syndrome. Last evaluated: 2021-10-18. Review status: no assertion criteria provided. Collection method: clinical testing. Allele origin: germline. Not counted in ClinVar's aggregate classification.